The following is an entry in ClinVar:

NM_006059.4(LAMC3):c.3292A>G (p.Asn1098Asp)

Gene: LAMC3 (laminin subunit gamma 3; plus strand). Cytogenetic location: 9q34.12.
Variant type: single nucleotide variant.
Coding change: c.3292A>G on transcript NM_006059.4 (MANE Select); coding-DNA position 3292, A replaced by G.
Protein change: p.Asn1098Asp; replaces asparagine 1098 with aspartic acid.
Molecular consequence: missense variant.
Genome position (GRCh38, 1-based): chr9:131,072,710, A>G. VCF-style: chr9-131072710-A-G. GRCh37 (hg19) VCF-style: chr9-133948097-A-G.
Other names: short protein forms N1098D.
Identifiers: ClinVar variation 1465230 (VCV001465230.8), dbSNP rs1830055976, ClinGen allele CA375258826.

ClinVar aggregate classification (germline): Uncertain significance (1 of 4 stars; one submission).

Allele frequency attached by ClinVar (database versions not stated): gnomAD 0.00001.
gnomAD v4.1: 2 of 1,612,302 alleles (0.00012%); highest among the groups gnomAD compares: Admixed American, 0.0017%; no homozygotes.

Submission:

Labcorp Genetics (formerly Invitae), Labcorp
Classification: Uncertain significance. Last evaluated: 2021-04-05. Review status: criteria provided, single submitter. Criteria: Invitae Variant Classification Sherloc (09022015). Collection method: clinical testing. Allele origin: germline.
Comment: This sequence change replaces asparagine with aspartic acid at codon 1098 of the LAMC3 protein (p.Asn1098Asp). The asparagine residue is weakly conserved and there is a small physicochemical difference between asparagine and aspartic acid. This variant is not present in population databases (ExAC no frequency). This variant has not been reported in the literature in individuals with LAMC3-related conditions. Algorithms developed to predict the effect of missense changes on protein structure and function output the following: SIFT: "Tolerated"; PolyPhen-2: "Benign"; Align-GVGD: "Class C0". The aspartic acid amino acid residue is found in multiple mammalian species, suggesting that this missense change does not adversely affect protein function. These predictions have not been confirmed by published functional studies and their clinical significance is uncertain. In summary, the available evidence is currently insufficient to determine the role of this variant in disease. Therefore, it has been classified as a Variant of Uncertain Significance.